The following is an entry in ClinVar:

NM_152743.4(BRAT1):c.2233A>G (p.Thr745Ala)

Gene: BRAT1 (BRCA1 associated ATM activator 1; minus strand). Cytogenetic location: 7p22.3.
Variant type: single nucleotide variant.
Coding change: c.2233A>G on transcript NM_152743.4 (MANE Select); coding-DNA position 2233, A replaced by G.
Protein change: p.Thr745Ala; replaces threonine 745 with alanine.
Molecular consequence: missense variant. On other transcripts: non-coding transcript variant (1).
Genome position (GRCh38, 1-based): chr7:2,538,302, T>C on the plus strand (A>G on the coding strand, the complement: BRAT1 is on the minus strand). VCF-style: chr7-2538302-T-C. GRCh37 (hg19) VCF-style: chr7-2577936-T-C.
Other names: c.2413A>G, p.Thr805Ala (NM_001350626.2); c.1708A>G, p.Thr570Ala (NM_001350627.2); short protein forms T570A, T745A, T805A.
Identifiers: ClinVar variation 1915779 (VCV001915779.2), dbSNP rs752058292, ClinGen allele CA4127423.
Genomic context (GRCh38, chr7:2,538,302, plus strand): 5'-CTGGGGGCTGGGCCTGCTCACCCGCCCGCCACCTCGGCAGGGTGGCCTCTGCGGAGGCAG[T>C]GTTGGGGCTGCCCCTGGCCTCCCGCAGGCTGCTGTAGGAAGCAATCTTGTCCCTCAGGAA-3'
Protein context (NP_689956.2, residues 735-755): SLREARGSPN[Thr745Ala]ASAEATLPRW

ClinVar aggregate classification (germline): Uncertain significance (1 of 4 stars; one submission).

Conditions:
Neonatal-onset encephalopathy with rigidity and seizures. Also called: Lethal neonatal spasticity-epileptic encephalopathy syndrome. Identifiers: Orphanet 435845, MedGen C3281029, MONDO:0013784, OMIM 614498.

Allele frequency attached by ClinVar (database versions not stated): gnomAD 0.00001; gnomAD exomes 0.00001; TOPMed 0.00001; ExAC 0.00002.
gnomAD v4.1: 20 of 1,612,672 alleles (0.0012%); highest among the groups gnomAD compares: Non-Finnish European, 0.0016%; no homozygotes.

Submission:

Labcorp Genetics (formerly Invitae), Labcorp
Classification: Uncertain significance for Neonatal-onset encephalopathy with rigidity and seizures. Last evaluated: 2022-03-17. Review status: criteria provided, single submitter. Criteria: Invitae Variant Classification Sherloc (09022015). Collection method: clinical testing. Allele origin: germline.
Comment: This sequence change replaces threonine, which is neutral and polar, with alanine, which is neutral and non-polar, at codon 745 of the BRAT1 protein (p.Thr745Ala). This variant is present in population databases (rs752058292, gnomAD 0.002%). This variant has not been reported in the literature in individuals affected with BRAT1-related conditions. Algorithms developed to predict the effect of missense changes on protein structure and function output the following: SIFT: "Tolerated"; PolyPhen-2: "Benign"; Align-GVGD: "Class C0". The alanine amino acid residue is found in multiple mammalian species, which suggests that this missense change does not adversely affect protein function. In summary, the available evidence is currently insufficient to determine the role of this variant in disease. Therefore, it has been classified as a Variant of Uncertain Significance.